The following is an entry in ClinVar:

NM_002691.4(POLD1):c.2006+15T>C

Gene: POLD1 (DNA polymerase delta 1, catalytic subunit; plus strand). Cytogenetic location: 19q13.33.
Variant type: single nucleotide variant.
Coding change: c.2006+15T>C on transcript NM_002691.4 (MANE Select); 15 bases into the intron after coding-DNA position 2006, T replaced by C.
Molecular consequence: intron variant.
Genome position (GRCh38, 1-based): chr19:50,409,250, T>C. VCF-style: chr19-50409250-T-C. GRCh37 (hg19) VCF-style: chr19-50912507-T-C.
Other names: c.2084+15T>C (LRG_785t2, NM_001308632.1); c.2006+15T>C (LRG_785t1, NM_001256849.1, NM_002691.2).
Identifiers: ClinVar variation 381983 (VCV000381983.12), dbSNP rs569748371, ClinGen allele CA9596342.
Genomic context (GRCh38, chr19:50,409,250, plus strand): 5'-GGCTGCTGCCCCAGATCCTGGAGAACCTGCTCAGTGCCCGGAAGAGGTGAGCCCTGGAGA[T>C]CGCCTGCTTGGAGCTCAGACCTGTTGGGGCCTCTGGGCAATCCCTGTCCCTCACTGGGAC-3'

ClinVar aggregate classification (germline): Conflicting classifications of pathogenicity. Review status: criteria provided, conflicting classifications (1 of 4 stars). 5 submissions from 5 submitters: Uncertain significance (1); Benign (1); Likely benign (3). Last evaluated 2026-02-04.

Conditions:
POLD1-related polyposis and colorectal cancer syndrome (CRCS10). Also called: Colorectal cancer, susceptibility to, 10; Colorectal cancer 10; COLORECTAL CANCER, SUSCEPTIBILITY TO, ON CHROMOSOME 19q. Identifiers: Orphanet 220460, MedGen C2675481, MONDO:0012953, OMIM 612591.
Hereditary cancer-predisposing syndrome. Also called: Neoplastic Syndromes, Hereditary; Hereditary neoplastic syndrome; Hereditary Cancer Syndrome; Tumor predisposition. Identifiers: Orphanet 140162, MedGen C0027672, MeSH D009386, MONDO:0015356.

Allele frequency attached by ClinVar (database versions not stated): gnomAD below 0.00001 and 0.00009; TOPMed 0.00002; gnomAD exomes 0.00015 and 0.00039; 1000 Genomes Project 30x 0.00031; 1000 Genomes Project 0.00040; ExAC 0.00051.
gnomAD v4.1: 230 of 1,561,358 alleles (0.015%); highest among the groups gnomAD compares: South Asian, 0.24%; 1 homozygote.

Submissions (5):

Labcorp Genetics (formerly Invitae), Labcorp
Classification: Benign for POLD1-related polyposis and colorectal cancer syndrome. Last evaluated: 2026-02-04. Review status: criteria provided, single submitter. Criteria: Invitae Variant Classification Sherloc (09022015). Collection method: clinical testing. Allele origin: germline.

Center for Genomic Medicine, Rigshospitalet, Copenhagen University Hospital
Classification: Likely benign. Last evaluated: 2025-03-04. Review status: criteria provided, single submitter. Criteria: ACMG Guidelines, 2015. Collection method: clinical testing. Allele origin: germline.

Blueprint Genetics
Classification: Likely benign. Last evaluated: 2024-07-02. Review status: criteria provided, single submitter. Criteria: ACMG Guidelines, 2015. Collection method: clinical testing. Allele origin: germline.

GeneDx
Classification: Likely benign. Last evaluated: 2017-12-22. Review status: criteria provided, single submitter. Criteria: GeneDx Variant Classification (06012015). Collection method: clinical testing. Allele origin: germline. Affected: yes.
Comment: This variant is considered likely benign or benign based on one or more of the following criteria: it is a conservative change, it occurs at a poorly conserved position in the protein, it is predicted to be benign by multiple in silico algorithms, and/or has population frequency not consistent with disease.

Ambry Genetics
Classification: Uncertain significance for Hereditary cancer-predisposing syndrome. Last evaluated: 2016-10-05. Review status: criteria provided, single submitter. Criteria: Ambry Variant Classification Scheme 2023. Collection method: clinical testing. Allele origin: germline.
Comment: The c.2006+15T>C intronic alteration consists of a T to C substitution 5 nucleotides after coding exon 15 in the POLD1 gene. Based on insufficient or conflicting evidence, the clinical significance of this alteration remains unclear.